The following is an entry in ClinVar:

ClinVar aggregate classification (germline): Likely pathogenic (1 of 4 stars; one submission).

Conditions:
Pheochromocytoma/paraganglioma syndrome 1. Also called: Paragangliomas 1; Glomus tumors familial 1; PARAGANGLIOMATA; PARAGANGLIOMAS, FAMILIAL NONCHROMAFFIN, 1; PGL 1; Paragangliomas familial 1. Identifiers: Orphanet 29072, MedGen C3494181, MONDO:0008192, OMIM 168000.

Submission:

3billion
Classification: Likely pathogenic for Pheochromocytoma/paraganglioma syndrome 1. Last evaluated: 2022-01-03. Review status: criteria provided, single submitter. Criteria: ACMG Guidelines, 2015. Collection method: clinical testing. Allele origin: germline. Affected: yes. Observed: 1 heterozygote.
Comment: Stop-gained (nonsense): predicted to result in a loss or disruption of normal protein function through nonsense-mediated decay (NMD) or protein truncation. Multiple pathogenic variants are reported downstream of the variant (PVS1_VS). It is not observed in the gnomAD v2.1.1 dataset (PM2_M). Therefore, this variant is classified as likely pathogenic according to the recommendation of ACMG/AMP guideline.

NM_003002.4(SDHD):c.128G>A (p.Trp43Ter)

Gene: SDHD (succinate dehydrogenase complex subunit D; plus strand). Cytogenetic location: 11q23.1.
Variant type: single nucleotide variant.
Coding change: c.128G>A on transcript NM_003002.4 (MANE Select); coding-DNA position 128, G replaced by A.
Protein change: p.Trp43Ter; replaces tryptophan 43 with a stop codon.
Molecular consequence: nonsense. On other transcripts: non-coding transcript variant (1), intron variant (1).
Genome position (GRCh38, 1-based): chr11:112,087,932, G>A. VCF-style: chr11-112087932-G-A. GRCh37 (hg19) VCF-style: chr11-111958656-G-A.
Other names: c.128G>A, p.Trp43Ter (NM_001276503.2, NM_001276506.2); c.53-935G>A (NM_001276504.2); short protein forms W43*.
Identifiers: ClinVar variation 1333312 (VCV001333312.1), dbSNP rs2135267337, ClinGen allele CA382617043.